The following is an entry in ClinVar:

NM_004370.6(COL12A1):c.4346A>G (p.Glu1449Gly)

Gene: COL12A1 (collagen type XII alpha 1 chain; minus strand). Cytogenetic location: 6q13.
Variant type: single nucleotide variant.
Coding change: c.4346A>G on transcript NM_004370.6 (MANE Select); coding-DNA position 4346, A replaced by G.
Protein change: p.Glu1449Gly; replaces glutamic acid 1449 with glycine.
Molecular consequence: missense variant.
Genome position (GRCh38, 1-based): chr6:75,147,746, T>C on the plus strand (A>G on the coding strand, the complement: COL12A1 is on the minus strand). VCF-style: chr6-75147746-T-C. GRCh37 (hg19) VCF-style: chr6-75857462-T-C.
Other names: c.4346A>G, p.Glu1449Gly (NM_001424113.1, NM_001424114.1); c.4073A>G, p.Glu1358Gly (NM_001424115.1); c.854A>G, p.Glu285Gly (NM_001424116.1, NM_080645.3); short protein forms E1358G, E1449G, E285G.
Identifiers: ClinVar variation 4782835 (VCV004782835.1).

ClinVar aggregate classification (germline): Uncertain significance (1 of 4 stars; one submission).

Conditions:
Ullrich congenital muscular dystrophy 2 (UCMD2). Identifiers: Orphanet 75840, MedGen C4225314, MONDO:0014654, OMIM 616470.
Bethlem myopathy 2 (BTHLM2). Identifiers: Orphanet 536516, Orphanet 610, MedGen C4225313, MONDO:0034022, OMIM 616471.

Submission:

Labcorp Genetics (formerly Invitae), Labcorp
Classification: Uncertain significance for Bethlem myopathy 2; Ullrich congenital muscular dystrophy 2. Last evaluated: 2026-01-23. Review status: criteria provided, single submitter. Criteria: Invitae Variant Classification Sherloc (09022015). Collection method: clinical testing. Allele origin: germline.
Comment: This sequence change replaces glutamic acid, which is acidic and polar, with glycine, which is neutral and non-polar, at codon 1449 of the COL12A1 protein (p.Glu1449Gly). This variant is not present in population databases (gnomAD no frequency). This variant has not been reported in the literature in individuals affected with COL12A1-related conditions. Invitae Evidence Modeling of protein sequence and biophysical properties (such as structural, functional, and spatial information, amino acid conservation, physicochemical variation, residue mobility, and thermodynamic stability) has been performed for this missense variant. However, the output from this modeling did not meet the statistical confidence thresholds required to predict the impact of this variant on COL12A1 protein function. In summary, the available evidence is currently insufficient to determine the role of this variant in disease. Therefore, it has been classified as a Variant of Uncertain Significance.